The following is an entry in ClinVar:

ClinVar aggregate classification (germline): Uncertain significance (1 of 4 stars; one submission).

Conditions:
Hereditary cancer-predisposing syndrome. Also called: Neoplastic Syndromes, Hereditary; Tumor predisposition; Hereditary Cancer Syndrome; Hereditary neoplastic syndrome. Identifiers: Orphanet 140162, MedGen C0027672, MeSH D009386, MONDO:0015356.

Submission:

Ambry Genetics
Classification: Uncertain significance for Hereditary cancer-predisposing syndrome. Last evaluated: 2022-01-25. Review status: criteria provided, single submitter. Criteria: Ambry Variant Classification Scheme 2023. Collection method: clinical testing. Allele origin: germline.
Comment: The c.1593+4T>A intronic variant results from a T to A substitution 4 nucleotides after coding exon 8 in the SMARCA4 gene. This nucleotide position is poorly conserved in available vertebrate species. In silico splice site analysis predicts that this alteration will not have any significant effect on splicing. Since supporting evidence is limited at this time, the clinical significance of this alteration remains unclear.

NM_003072.5(SMARCA4):c.1593+4T>A

Gene: SMARCA4 (SWI/SNF related BAF chromatin remodeling complex subunit ATPase 4; plus strand). Cytogenetic location: 19p13.2.
Variant type: single nucleotide variant.
Coding change: c.1593+4T>A on transcript NM_003072.5 (MANE Select); 4 bases into the intron after coding-DNA position 1593, T replaced by A.
Molecular consequence: intron variant.
Genome position (GRCh38, 1-based): chr19:10,995,005, T>A. VCF-style: chr19-10995005-T-A. GRCh37 (hg19) VCF-style: chr19-11105681-T-A.
Other names: c.1593+4T>A (NM_001128844.3, NM_001128849.3, NM_001128847.4 and 5 more transcripts).
Identifiers: ClinVar variation 1775950 (VCV001775950.2), dbSNP rs1060502072, ClinGen allele CA2580096430.